The following is an entry in ClinVar:

ClinVar aggregate classification (germline): Uncertain significance. Review status: criteria provided, multiple submitters, no conflicts (2 of 4 stars). 2 submissions from 2 submitters: Uncertain significance (2). Last evaluated 2026-04-01.

Conditions:
Inborn genetic diseases. Identifiers: MedGen C0950123, MeSH D030342.

Allele frequency attached by ClinVar (database versions not stated): ExAC 0.00002.
gnomAD v4.1: 10 of 1,614,136 alleles (0.00062%); highest among the groups gnomAD compares: African/African-American, 0.011%; no homozygotes.

Submissions (2):

GeneDx
Classification: Uncertain significance. Last evaluated: 2026-04-01. Review status: criteria provided, single submitter. Criteria: GeneDx Variant Classification Process June 2021. Collection method: clinical testing. Allele origin: germline.
Comment: Not observed at significant frequency in large population cohorts (gnomAD); In silico analysis supports that this missense variant has a deleterious effect on protein structure/function; Has not been previously published as pathogenic or benign to our knowledge

Ambry Genetics
Classification: Uncertain significance for Inborn genetic diseases. Last evaluated: 2023-03-07. Review status: criteria provided, single submitter. Criteria: Ambry Variant Classification Scheme 2023. Collection method: clinical testing. Allele origin: germline.

NM_000123.4(ERCC5):c.1307A>T (p.Asp436Val)

Genes: BIVM-ERCC5 (BIVM-ERCC5 readthrough; plus strand), ERCC5 (ERCC excision repair 5, endonuclease; plus strand). Cytogenetic location: 13q33.1.
Variant type: single nucleotide variant.
Coding change: c.1307A>T on transcript NM_000123.4 (MANE Select); coding-DNA position 1307, A replaced by T.
Protein change: p.Asp436Val; replaces aspartic acid 436 with valine.
Molecular consequence: missense variant.
Genome position (GRCh38, 1-based): chr13:102,862,456, A>T. VCF-style: chr13-102862456-A-T. GRCh37 (hg19) VCF-style: chr13-103514806-A-T.
Other names: c.2669A>T, p.Asp890Val (NM_001204425.2); short protein forms D436V, D890V.
Identifiers: ClinVar variation 2459600 (VCV002459600.3), dbSNP rs775850469, ClinGen allele CA7041390.